The following is an entry in ClinVar:

ClinVar aggregate classification (germline): Pathogenic. Review status: criteria provided, multiple submitters, no conflicts (2 of 4 stars). 2 submissions from 2 submitters: Pathogenic (2). Last evaluated 2023-12-30.

Conditions:
Niemann-Pick disease, type C1. Also called: NEUROVISCERAL STORAGE DISEASE WITH VERTICAL SUPRANUCLEAR OPHTHALMOPLEGIA; NIEMANN-PICK DISEASE WITH CHOLESTEROL ESTERIFICATION BLOCK; NIEMANN-PICK DISEASE WITHOUT SPHINGOMYELINASE DEFICIENCY; NIEMANN-PICK DISEASE, CHRONIC NEURONOPATHIC FORM; NIEMANN-PICK DISEASE, VARIANT TYPE C1. Identifiers: Orphanet 646, MedGen C3179455, MONDO:0009757, OMIM 257220.

Submissions (2):

Myriad Genetics, Inc.
Classification: Pathogenic for Niemann-Pick disease, type C1. Last evaluated: 2023-12-30. Review status: criteria provided, single submitter. Criteria: Myriad Autosomal Dominant, Autosomal Recessive and X-Linked Classification Criteria (2023). Collection method: clinical testing. Allele origin: unknown.
Comment: NM_000271.4(NPC1):c.428_429delAG(E143Vfs*26) is expected to be pathogenic in the context of Niemann-Pick disease type C1. This variant is predicted to lead to an abnormal or absent protein product due to the creation of a premature termination codon in NPC1, a gene where loss-of-function variants are known to be pathogenic. Please note: this variant was assessed in the context of healthy population screening.

CENTOGENE GmbH and LLC - Guiding Precision Medicine
Classification: Pathogenic for Niemann-Pick disease, type C1. Last evaluated: 2022-08-30. Review status: criteria provided, single submitter. Criteria: ACMG Guidelines, 2015. Collection method: clinical testing. Allele origin: germline. Affected: yes.

NM_000271.5(NPC1):c.428_429del (p.Glu143fs)

Gene: NPC1 (NPC intracellular cholesterol transporter 1; minus strand). Cytogenetic location: 18q11.2.
Variant type: Microsatellite.
Coding change: c.428_429del on transcript NM_000271.5 (MANE Select); coding-DNA positions 428 to 429, 2 bases deleted (AG; older notation c.428_429delAG).
Protein change: p.Glu143fs; shifts the reading frame from glutamic acid 143.
Molecular consequence: frameshift variant.
Genome position (GRCh38, 1-based): chr18:23,568,857-23,568,858, CT deleted on the plus strand (AG on the coding strand, the reverse complement: NPC1 is on the minus strand); deleting any 2 consecutive bases within chr18:23,568,857-23,568,860 gives the same sequence; the c. name uses the placement nearest the transcript's 3' end. VCF-style (leftmost placement, unchanged base first): chr18-23568856-ACT-A. GRCh37 (hg19) VCF-style: chr18-21148820-ACT-A.
Other names: short protein forms E143fs.
Identifiers: ClinVar variation 1705801 (VCV001705801.2), dbSNP rs2511340832, ClinGen allele CA2580612673.